The following is an entry in ClinVar:

NM_058216.3(RAD51C):c.1007C>T (p.Thr336Ile)

Gene: RAD51C (RAD51 paralog C; plus strand). Cytogenetic location: 17q22.
Variant type: single nucleotide variant.
Coding change: c.1007C>T on transcript NM_058216.3 (MANE Select); coding-DNA position 1007, C replaced by T.
Protein change: p.Thr336Ile; replaces threonine 336 with isoleucine.
Molecular consequence: missense variant. On other transcripts: non-coding transcript variant (1).
Genome position (GRCh38, 1-based): chr17:58,732,525, C>T. VCF-style: chr17-58732525-C-T. GRCh37 (hg19) VCF-style: chr17-56809886-C-T.
Other names: short protein forms T336I.
Identifiers: ClinVar variation 1432032 (VCV001432032.8), dbSNP rs2144045960, ClinGen allele CA400365087.
Genomic context (GRCh38, chr17:58,732,525, plus strand): 5'-ATTCTTTTTCTTTAAGCAGGTTGGCAACATTGTACAAGTCACCCAGCCAGAAGGAATGCA[C>T]AGTACTGTTTCAAATCAAAGTCAGTATTATTTGATTAGAGTGGGATTTTGATATTGATGG-3'
Protein context (NP_478123.1, residues 326-346): LYKSPSQKEC[Thr336Ile]VLFQIKPQGF

ClinVar aggregate classification (germline): Uncertain significance (1 of 4 stars; one submission).

Conditions:
Fanconi anemia complementation group O. Also called: RAD51C-Related Fanconi Anemia. Identifiers: Orphanet 84, MedGen C3150653, MONDO:0013248, OMIM 613390.

Submission:

Labcorp Genetics (formerly Invitae), Labcorp
Classification: Uncertain significance for Fanconi anemia complementation group O. Last evaluated: 2021-04-11. Review status: criteria provided, single submitter. Criteria: Invitae Variant Classification Sherloc (09022015). Collection method: clinical testing. Allele origin: germline.
Comment: In summary, the available evidence is currently insufficient to determine the role of this variant in disease. Therefore, it has been classified as a Variant of Uncertain Significance. Algorithms developed to predict the effect of missense changes on protein structure and function are either unavailable or do not agree on the potential impact of this missense change (SIFT: "Deleterious"; PolyPhen-2: "Possibly Damaging"; Align-GVGD: "Class C0"). This variant has not been reported in the literature in individuals with RAD51C-related conditions. This variant is not present in population databases (ExAC no frequency). This sequence change replaces threonine with isoleucine at codon 336 of the RAD51C protein (p.Thr336Ile). The threonine residue is moderately conserved and there is a moderate physicochemical difference between threonine and isoleucine.